The following is an entry in ClinVar:

ClinVar aggregate classification (germline): Likely pathogenic (1 of 4 stars; one submission).

Allele frequency attached by ClinVar (database versions not stated): ExAC 0.00001.

Submission:

Labcorp Genetics (formerly Invitae), Labcorp
Classification: Likely pathogenic. Last evaluated: 2025-02-26. Review status: criteria provided, single submitter. Criteria: Invitae Variant Classification Sherloc (09022015). Collection method: clinical testing. Allele origin: germline.
Comment: This sequence change affects a donor splice site in intron 63 of the ADGRV1 gene. It is expected to disrupt RNA splicing. Variants that disrupt the donor or acceptor splice site typically lead to a loss of protein function (PMID: 16199547), and loss-of-function variants in ADGRV1 are known to be pathogenic (PMID: 19357117, 22135276, 22147658, 26226137, 30718709, 31047384, 32467589). This variant is present in population databases (rs761063842, gnomAD 0.001%). This variant has not been reported in the literature in individuals affected with ADGRV1-related conditions. ClinVar contains an entry for this variant (Variation ID: 2001295). Algorithms developed to predict the effect of sequence changes on RNA splicing suggest that this variant may disrupt the consensus splice site. In summary, the currently available evidence indicates that the variant is pathogenic, but additional data are needed to prove that conclusively. Therefore, this variant has been classified as Likely Pathogenic.

Literature cited by the submitters: PubMed 16199547; PubMed 19357117; PubMed 22135276; PubMed 22147658; PubMed 26226137; PubMed 30718709; PubMed 31047384; PubMed 32467589.

NM_032119.4(ADGRV1):c.12849+1G>T

Gene: ADGRV1 (adhesion G protein-coupled receptor V1; plus strand). Cytogenetic location: 5q14.3.
Variant type: single nucleotide variant.
Coding change: c.12849+1G>T on transcript NM_032119.4 (MANE Select); the canonical splice donor site of the intron after coding-DNA position 12849, G replaced by T.
Molecular consequence: splice donor variant.
Genome position (GRCh38, 1-based): chr5:90,778,610, G>T. VCF-style: chr5-90778610-G-T. GRCh37 (hg19) VCF-style: chr5-90074427-G-T.
Identifiers: ClinVar variation 2001295 (VCV002001295.4), dbSNP rs761063842, ClinGen allele CA3341344.